The following is an entry in ClinVar:

NM_005732.4(RAD50):c.1495del (p.Thr499fs)

Gene: RAD50 (RAD50 double strand break repair protein; plus strand). Cytogenetic location: 5q31.1.
Variant type: Deletion.
Coding change: c.1495del on transcript NM_005732.4 (MANE Select); coding-DNA position 1495, one base deleted (A; older notation c.1495delA).
Protein change: p.Thr499fs; shifts the reading frame from threonine 499.
Molecular consequence: frameshift variant.
Genome position (GRCh38, 1-based): chr5:132,591,266, A deleted; the last of 3 consecutive A bases (chr5:132,591,264-132,591,266); deleting any one gives the same sequence. VCF-style (leftmost placement, unchanged base first): chr5-132591263-GA-G. GRCh37 (hg19) VCF-style: chr5-131926955-GA-G.
Other names: short protein forms T499fs.
Identifiers: ClinVar variation 2014432 (VCV002014432.4), dbSNP rs2479640870, ClinGen allele CA2580072725.

ClinVar aggregate classification (germline): Pathogenic (1 of 4 stars; one submission).

Conditions:
Hereditary cancer-predisposing syndrome. Also called: Hereditary Cancer Syndrome; Neoplastic Syndromes, Hereditary; Hereditary neoplastic syndrome; Tumor predisposition. Identifiers: Orphanet 140162, MedGen C0027672, MeSH D009386, MONDO:0015356.

Submission:

Labcorp Genetics (formerly Invitae), Labcorp
Classification: Pathogenic for Hereditary cancer-predisposing syndrome. Last evaluated: 2023-10-26. Review status: criteria provided, single submitter. Criteria: Invitae Variant Classification Sherloc (09022015). Collection method: clinical testing. Allele origin: germline.
Comment: This sequence change creates a premature translational stop signal (p.Thr499Profs*2) in the RAD50 gene. It is expected to result in an absent or disrupted protein product. Loss-of-function variants in RAD50 are known to be pathogenic (PMID: 19409520). This variant is not present in population databases (gnomAD no frequency). This variant has not been reported in the literature in individuals affected with RAD50-related conditions. ClinVar contains an entry for this variant (Variation ID: 2014432). Algorithms developed to predict the effect of sequence changes on RNA splicing suggest that this variant may disrupt the consensus splice site. For these reasons, this variant has been classified as Pathogenic.

Literature cited by the submitters: PubMed 19409520.